The following is an entry in ClinVar:

NM_021930.6(RINT1):c.1029G>A (p.Trp343Ter)

Gene: RINT1 (RAD50 interactor 1; plus strand). Cytogenetic location: 7q22.3.
Variant type: single nucleotide variant.
Coding change: c.1029G>A on transcript NM_021930.6 (MANE Select); coding-DNA position 1029, G replaced by A.
Protein change: p.Trp343Ter; replaces tryptophan 343 with a stop codon.
Molecular consequence: nonsense. On other transcripts: non-coding transcript variant (1).
Genome position (GRCh38, 1-based): chr7:105,550,087, G>A. VCF-style: chr7-105550087-G-A. GRCh37 (hg19) VCF-style: chr7-105190534-G-A.
Other names: c.795G>A, p.Trp265Ter (NM_001346599.2); c.6G>A, p.Trp2Ter (NM_001346600.2, NM_001346603.2); c.105G>A, p.Trp35Ter (NM_001346601.2); short protein forms W265*, W343*, W35*, W2*.
Identifiers: ClinVar variation 1770470 (VCV001770470.2), dbSNP rs2485131902, ClinGen allele CA368808288.

ClinVar aggregate classification (germline): Uncertain significance (1 of 4 stars; one submission).

Submission:

Ambry Genetics
Classification: Uncertain significance. Last evaluated: 2022-03-01. Review status: criteria provided, single submitter. Criteria: Ambry Variant Classification Scheme 2023. Collection method: clinical testing. Allele origin: germline.
Comment: The p.W343* variant (also known as c.1029G>A), located in coding exon 8 of the RINT1 gene, results from a G to A substitution at nucleotide position 1029. This changes the amino acid from a tryptophan to a stop codon within coding exon 8. This alteration is expected to result in premature protein truncation or nonsense-mediated mRNA decay. However, the evidence for this gene-disease relationship is limited; therefore, the clinical significance of this alteration is unclear.